The following is an entry in ClinVar:

ClinVar aggregate classification (germline): Uncertain significance (1 of 4 stars; one submission).

Submission:

CeGaT Center for Human Genetics Tuebingen
Classification: Uncertain significance. Last evaluated: 2022-03-01. Review status: criteria provided, single submitter. Criteria: CeGaT Center For Human Genetics Tuebingen Variant Classification Criteria Version 2. Collection method: clinical testing. Allele origin: germline. Affected: yes. Observed: 1 variant allele.
Comment: SYNE1: PM2

NM_182961.4(SYNE1):c.2786T>A (p.Met929Lys)

Gene: SYNE1 (spectrin repeat containing nuclear envelope protein 1; minus strand). Cytogenetic location: 6q25.2.
Variant type: single nucleotide variant.
Coding change: c.2786T>A on transcript NM_182961.4 (MANE Select); coding-DNA position 2786, T replaced by A.
Protein change: p.Met929Lys; replaces methionine 929 with lysine.
Molecular consequence: missense variant.
Genome position (GRCh38, 1-based): chr6:152,455,532, A>T on the plus strand (T>A on the coding strand, the complement: SYNE1 is on the minus strand). VCF-style: chr6-152455532-A-T. GRCh37 (hg19) VCF-style: chr6-152776667-A-T.
Other names: c.2807T>A, p.Met936Lys (NM_033071.5); short protein forms M929K, M936K.
Identifiers: ClinVar variation 2657035 (VCV002657035.24), dbSNP rs2502417078, ClinGen allele CA366110805.